The following is an entry in ClinVar:

ClinVar aggregate classification (germline): Uncertain significance (1 of 4 stars; one submission).

Conditions:
Charcot-Marie-Tooth disease axonal type 2P. Also called: CHARCOT-MARIE-TOOTH DISEASE, AXONAL, TYPE 2G; CMT 2G; CHARCOT-MARIE-TOOTH NEUROPATHY, TYPE 2P; Charcot-Marie-Tooth Neuropathy Type 2G. Identifiers: Orphanet 300319, Orphanet 99941, MedGen C3280797, MONDO:0013753, OMIM 614436.

Submission:

Labcorp Genetics (formerly Invitae), Labcorp
Classification: Uncertain significance for Charcot-Marie-Tooth disease axonal type 2P. Last evaluated: 2023-03-26. Review status: criteria provided, single submitter. Criteria: Invitae Variant Classification Sherloc (09022015). Collection method: clinical testing. Allele origin: germline.
Comment: In summary, the available evidence is currently insufficient to determine the role of this variant in disease. Therefore, it has been classified as a Variant of Uncertain Significance. This variant has not been reported in the literature in individuals affected with LRSAM1-related conditions. This variant is not present in population databases (gnomAD no frequency). This variant, c.1605_1607dup, results in the insertion of 1 amino acid(s) of the LRSAM1 protein (p.Leu536dup), but otherwise preserves the integrity of the reading frame.

NM_001005373.4(LRSAM1):c.1605_1607dup (p.Leu536_Glu537insLeu)

Gene: LRSAM1 (leucine rich repeat and sterile alpha motif containing 1; plus strand). Cytogenetic location: 9q33.3.
Variant type: Duplication.
Coding change: c.1605_1607dup on transcript NM_001005373.4 (MANE Select); coding-DNA positions 1605 to 1607, 3 bases duplicated (GTT; older notation c.1605_1607dupGTT).
Protein change: p.Leu536_Glu537insLeu.
Molecular consequence: inframe insertion. On other transcripts: non-coding transcript variant (2), intron variant (1).
Genome position (GRCh38, 1-based): chr9:127,495,325-127,495,327, GTT duplicated. VCF-style (leftmost placement, unchanged base first): chr9-127495324-A-AGTT. GRCh37 (hg19) VCF-style: chr9-130257603-A-AGTT.
Other names: c.1605_1607dup, p.Leu536_Glu537insLeu (NM_001005374.4, NM_001384142.1, NM_138361.5); c.1524_1526dup, p.Leu509_Glu510insLeu (NM_001190723.3); c.816_818dup, p.Leu273_Glu274insLeu (NM_001384144.1); c.1600-639_1600-637dup (NM_001384143.1).
Identifiers: ClinVar variation 2849728 (VCV002849728.3), dbSNP rs2539442686, ClinGen allele CA2739265055.